The following is an entry in ClinVar:

ClinVar aggregate classification (germline): Uncertain significance (1 of 4 stars; one submission).

gnomAD v4.1: 2 of 1,604,580 alleles (0.00012%); highest among the groups gnomAD compares: South Asian, 0.0011%; no homozygotes.

Submission:

Labcorp Genetics (formerly Invitae), Labcorp
Classification: Uncertain significance. Last evaluated: 2021-09-24. Review status: criteria provided, single submitter. Criteria: Invitae Variant Classification Sherloc (09022015). Collection method: clinical testing. Allele origin: germline.
Comment: This sequence change replaces arginine with proline at codon 300 of the PEX3 protein (p.Arg300Pro). The arginine residue is highly conserved and there is a moderate physicochemical difference between arginine and proline. This variant is not present in population databases (ExAC no frequency). This variant has not been reported in the literature in individuals affected with PEX3-related conditions. Algorithms developed to predict the effect of missense changes on protein structure and function (SIFT, PolyPhen-2, Align-GVGD) all suggest that this variant is likely to be tolerated. In summary, the available evidence is currently insufficient to determine the role of this variant in disease. Therefore, it has been classified as a Variant of Uncertain Significance.

NM_003630.3(PEX3):c.899G>C (p.Arg300Pro)

Gene: PEX3 (peroxisomal biogenesis factor 3; plus strand). Cytogenetic location: 6q24.2.
Variant type: single nucleotide variant.
Coding change: c.899G>C on transcript NM_003630.3 (MANE Select); coding-DNA position 899, G replaced by C.
Protein change: p.Arg300Pro; replaces arginine 300 with proline.
Molecular consequence: missense variant.
Genome position (GRCh38, 1-based): chr6:143,479,156, G>C. VCF-style: chr6-143479156-G-C. GRCh37 (hg19) VCF-style: chr6-143800293-G-C.
Other names: short protein forms R300P.
Identifiers: ClinVar variation 1443265 (VCV001443265.6), dbSNP rs200463608, ClinGen allele CA365886168.
Genomic context (GRCh38, chr6:143,479,156, plus strand): 5'-TGAATACCTGTTTAAACCGAGGTTTTAGTAGACTTCTAGACAATATGGCTGAGTTCTTTC[G>C]ACCTACTGAACAGGACCTGCAACATGGTAACTCTATGAATAGGTAAGATGACATATAAAA-3'
Protein context (NP_003621.1, residues 290-310): RLLDNMAEFF[Arg300Pro]PTEQDLQHGN